The following is an entry in ClinVar:

NC_012920.1(MT-ND2):m.5310A>G

Gene: MT-ND2 (mitochondrially encoded NADH dehydrogenase 2; plus strand).
Variant type: single nucleotide variant.
Genome position: chrM-5310-A-G.
Identifiers: ClinVar variation 692574 (VCV000692574.1), dbSNP rs1603219891, ClinGen allele CA414779777.
Genomic context (GRCh38, chrMT:5,310, plus strand): 5'-TTGCCCAAATGGGCCATTATCGAAGAATTCACAAAAAACAATAGCCTCATCATCCCCACC[A>G]TCATAGCCACCATCACCCTCCTTAACCTCTACTTCTACCTACGCCTAATCTACTCCACCT-3'

ClinVar aggregate classification (germline): Uncertain significance (1 of 4 stars; one submission).

Conditions:
Leigh syndrome (NULS). Also called: Leigh's necrotizing encephalopathy; Leigh's disease; Leigh Syndrome (mtDNA deletion); Leigh Disease; Subacute necrotizing encephalopathy; Necrotizing encephalopathy infantile subacute of Leigh. Identifiers: Orphanet 506, MedGen C2931891, MONDO:0009723, OMIM 256000.

Submission:

Wong Mito Lab, Molecular and Human Genetics, Baylor College of Medicine
Classification: Uncertain significance for Leigh syndrome. Last evaluated: 2019-10-17. Review status: criteria provided, single submitter. Criteria: Modified ACMG Guidelines (Unpublished). Collection method: clinical testing. Allele origin: germline.
Comment: The NC_012920.1:m.5310A>G (YP_003024027.1:p.Ile281Val) variant in MTND2 gene is interpretated to be a Uncertain Significance variant based on the modified ACMG guidelines (unpublished). This variant meets the following evidence codes: BP4